The following is an entry in ClinVar:

ClinVar aggregate classification (germline): Benign (1 of 4 stars; one submission).

Allele frequency attached by ClinVar (database versions not stated): gnomAD 0.18252; TOPMed 0.19244; 1000 Genomes Project 30x 0.21127; 1000 Genomes Project 0.21565.
gnomAD v4.1: 283,516 of 1,377,868 alleles (21%); highest among the groups gnomAD compares: East Asian, 30%; 30,948 homozygotes.

Submission:

GeneDx
Classification: Benign. Last evaluated: 2018-06-18. Review status: criteria provided, single submitter. Criteria: GeneDx Variant Classification (06012015). Collection method: clinical testing. Allele origin: germline. Affected: yes.
Comment: This variant is considered likely benign or benign based on one or more of the following criteria: it is a conservative change, it occurs at a poorly conserved position in the protein, it is predicted to be benign by multiple in silico algorithms, and/or has population frequency not consistent with disease.

NM_001844.5(COL2A1):c.3886+111T>G

Gene: COL2A1 (collagen type II alpha 1 chain; minus strand). Cytogenetic location: 12q13.11.
Variant type: single nucleotide variant.
Coding change: c.3886+111T>G on transcript NM_001844.5 (MANE Select); 111 bases into the intron after coding-DNA position 3886, T replaced by G.
Molecular consequence: intron variant.
Genome position (GRCh38, 1-based): chr12:47,975,206, A>C on the plus strand (T>G on the coding strand, the complement: COL2A1 is on the minus strand). VCF-style: chr12-47975206-A-C. GRCh37 (hg19) VCF-style: chr12-48368989-A-C.
Other names: c.3679+111T>G (NM_033150.3).
Identifiers: ClinVar variation 675027 (VCV000675027.1), dbSNP rs4760608, ClinGen allele CA13646567.
Genomic context (GRCh38, chr12:47,975,206, plus strand): 5'-GACAGGGGCCAGGGCTGCAGCTTCTCTGCTGTGAAATAAGAGAGGAACCCTCTGGCGGAA[A>C]CTTCCAGGCCCAGCTCTGCCCTGTACTAGGGGGCATCTCCTCCCTTGCTGCTAGGCCTAA-3'